The following is an entry in ClinVar:

NM_000051.4(ATM):c.2697C>T (p.Asp899=)

Gene: ATM (ATM serine/threonine kinase; plus strand). Cytogenetic location: 11q22.3.
Variant type: single nucleotide variant.
Coding change: c.2697C>T on transcript NM_000051.4 (MANE Select); coding-DNA position 2697, C replaced by T.
Protein change: p.Asp899=; no amino-acid change (aspartic acid 899 retained).
Molecular consequence: synonymous variant.
Genome position (GRCh38, 1-based): chr11:108,268,468, C>T. VCF-style: chr11-108268468-C-T. GRCh37 (hg19) VCF-style: chr11-108139195-C-T.
Other names: c.2697C>T, p.Asp899= (NM_001351834.2).
Identifiers: ClinVar variation 186473 (VCV000186473.25), dbSNP rs786202978, ClinGen allele CA194922.

ClinVar aggregate classification (germline): Benign/Likely benign. Review status: criteria provided, multiple submitters, no conflicts (2 of 4 stars). 9 submissions from 9 submitters: Benign (2); Likely benign (7). Last evaluated 2026-02-04.

Conditions:
Hereditary cancer-predisposing syndrome. Also called: Tumor predisposition; Neoplastic Syndromes, Hereditary; Hereditary neoplastic syndrome; Hereditary Cancer Syndrome. Identifiers: Orphanet 140162, MedGen C0027672, MeSH D009386, MONDO:0015356.
Familial cancer of breast. Also called: BREAST CANCER, FAMILIAL; hereditary breast carcinoma; Hereditary breast cancer. Identifiers: Orphanet 227535, MedGen C0346153, MONDO:0016419, OMIM 114480. Disease mechanism: loss of function.
Ataxia-telangiectasia syndrome (AT). Also called: LOUIS-BAR SYNDROME; Ataxia-telangiectasia, complementation group D; AT, COMPLEMENTATION GROUP C; ATAXIA-TELANGIECTASIA, COMPLEMENTATION GROUP A; ATAXIA-TELANGIECTASIA, FRESNO VARIANT; Ataxia-telangiectasia. Identifiers: Orphanet 100, MedGen C0004135, MONDO:0008840, OMIM 208900.

Allele frequency attached by ClinVar (database versions not stated): gnomAD exomes below 0.00001; gnomAD 0.00003; TOPMed 0.00006.
gnomAD v4.1: 10 of 1,613,920 alleles (0.00062%); highest among the groups gnomAD compares: African/African-American, 0.008%; 1 homozygote.

Submissions (9):

Labcorp Genetics (formerly Invitae), Labcorp
Classification: Likely benign for Ataxia-telangiectasia syndrome. Last evaluated: 2026-02-04. Review status: criteria provided, single submitter. Criteria: Invitae Variant Classification Sherloc (09022015). Collection method: clinical testing. Allele origin: germline.

Center for Genomic Medicine, Rigshospitalet, Copenhagen University Hospital
Classification: Likely benign. Last evaluated: 2025-03-04. Review status: criteria provided, single submitter. Criteria: ACMG Guidelines, 2015. Collection method: clinical testing. Allele origin: germline.

KCCC/NGS Laboratory, Kuwait Cancer Control Center
Classification: Benign for Familial cancer of breast. Last evaluated: 2025-02-01. Review status: criteria provided, single submitter. Criteria: ACMG Guidelines, 2015. Collection method: clinical testing. Allele origin: germline. Affected: no.

Myriad Genetics, Inc.
Classification: Benign for Familial cancer of breast. Last evaluated: 2024-05-10. Review status: criteria provided, single submitter. Criteria: Myriad Autosomal Dominant, Autosomal Recessive and X-Linked Classification Criteria (2023). Collection method: clinical testing. Allele origin: unknown.
Comment: This variant is considered benign. This variant is a silent/synonymous amino acid change and it is not expected to impact splicing.

Department of Pathology and Laboratory Medicine, Sinai Health System
Classification: Likely benign for Familial cancer of breast. Last evaluated: 2023-12-06. Review status: criteria provided, single submitter. Criteria: ACMG Guidelines, 2015. Collection method: clinical testing. Allele origin: germline. Affected: yes.

GeneDx
Classification: Likely benign. Last evaluated: 2019-11-26. Review status: criteria provided, single submitter. Criteria: GeneDx Variant Classification Process June 2021. Collection method: clinical testing. Allele origin: germline. Affected: yes.

Blueprint Genetics
Classification: Likely benign. Last evaluated: 2019-10-11. Review status: criteria provided, single submitter. Criteria: ACMG Guidelines, 2015. Collection method: clinical testing. Allele origin: germline.

Color Diagnostics, LLC DBA Color Health
Classification: Likely benign for Hereditary cancer-predisposing syndrome. Last evaluated: 2016-08-29. Review status: criteria provided, single submitter. Criteria: ACMG Guidelines, 2015. Collection method: clinical testing. Allele origin: germline.

Ambry Genetics
Classification: Likely benign for Hereditary cancer-predisposing syndrome. Last evaluated: 2014-10-08. Review status: criteria provided, single submitter. Criteria: Ambry Variant Classification Scheme 2023. Collection method: clinical testing. Allele origin: germline.